The following is an entry in ClinVar:

ClinVar aggregate classification (germline): Uncertain significance (0 of 4 stars; one submission).

Allele frequency attached by ClinVar (database versions not stated): gnomAD exomes below 0.00001 and 0.00001; TOPMed below 0.00001; ExAC 0.00002.

Submission:

Martin Pollak Laboratory,  Beth Israel Deaconess Medical Center
Classification: Uncertain significance. Review status: no assertion criteria provided. Collection method: not provided. Allele origin: unknown.
Comment: Higher UCa2+ group
ClinVar note: Converted during submission from unknown to Uncertain significance.

NM_003361.4(UMOD):c.1028C>T (p.Ser343Leu)

Gene: UMOD (uromodulin; minus strand). Cytogenetic location: 16p12.3.
Variant type: single nucleotide variant.
Coding change: c.1028C>T on transcript NM_003361.4 (MANE Select); coding-DNA position 1028, C replaced by T.
Protein change: p.Ser343Leu; replaces serine 343 with leucine.
Molecular consequence: missense variant. On other transcripts: non-coding transcript variant (1).
Genome position (GRCh38, 1-based): chr16:20,346,280, G>A on the plus strand (C>T on the coding strand, the complement: UMOD is on the minus strand). VCF-style: chr16-20346280-G-A. GRCh37 (hg19) VCF-style: chr16-20357602-G-A.
Other names: c.1028C>T, p.Ser343Leu (NM_001008389.3, NM_001378232.1, NM_001378233.1 and 3 more transcripts); c.1127C>T, p.Ser376Leu (NM_001278614.2); short protein forms S343L, S376L.
Identifiers: ClinVar variation 64442 (VCV000064442.2), dbSNP rs387907550, ClinGen allele CA216147.